The following is an entry in ClinVar:

ClinVar aggregate classification (germline): Uncertain significance (1 of 4 stars; one submission).

gnomAD v4.1: 8 of 1,568,394 alleles (0.00051%); highest among the groups gnomAD compares: African/African-American, 0.0014%; no homozygotes.

Submission:

GeneDx
Classification: Uncertain significance. Last evaluated: 2023-05-30. Review status: criteria provided, single submitter. Criteria: GeneDx Variant Classification Process June 2021. Collection method: clinical testing. Allele origin: germline. Affected: yes.
Comment: Not observed at significant frequency in large population cohorts (gnomAD); In silico analysis supports that this missense variant does not alter protein structure/function; Has not been previously published as pathogenic or benign to our knowledge

NM_020461.4(TUBGCP6):c.3979C>T (p.Pro1327Ser)

Gene: TUBGCP6 (tubulin gamma complex component 6; minus strand). Cytogenetic location: 22q13.33.
Variant type: single nucleotide variant.
Coding change: c.3979C>T on transcript NM_020461.4 (MANE Select); coding-DNA position 3979, C replaced by T.
Protein change: p.Pro1327Ser; replaces proline 1327 with serine.
Molecular consequence: missense variant.
Genome position (GRCh38, 1-based): chr22:50,220,380, G>A on the plus strand (C>T on the coding strand, the complement: TUBGCP6 is on the minus strand). VCF-style: chr22-50220380-G-A. GRCh37 (hg19) VCF-style: chr22-50658809-G-A.
Other names: short protein forms P1327S.
Identifiers: ClinVar variation 3362025 (VCV003362025.1).
Genomic context (GRCh38, chr22:50,220,380, plus strand): 5'-CGTTCTCCCCCACGCTGATGCTCCCCTCCCCGCAGCCCGAGCTGGGGGAGGACAGAGATG[G>A]CCCCACTTCTACAGGCAGCCGTGGCCCACAGTCCAGCACAGTGCTCTGTGCTCCCAGGCT-3'
Protein context (NP_065194.3, residues 1317-1337): CGPRLPVEVG[Pro1327Ser]SLSSPSSGCG